The following is an entry in ClinVar:

ClinVar aggregate classification (germline): Uncertain significance (1 of 4 stars; one submission).

Conditions:
Episodic ataxia type 2 (EA2). Also called: ACETAZOLAMIDE-RESPONSIVE HEREDITARY PAROXYSMAL CEREBELLAR ATAXIA; ATAXIA, EPISODIC, WITH NYSTAGMUS; ATAXIA, FAMILIAL PAROXYSMAL; CEREBELLAR ATAXIA, PAROXYSMAL, ACETAZOLAMIDE-RESPONSIVE; CEREBELLOPATHY, HEREDITARY PAROXYSMAL; EPISODIC ATAXIA, NYSTAGMUS-ASSOCIATED. Identifiers: Orphanet 97, MedGen C1720416, MONDO:0007163, OMIM 108500.
Developmental and epileptic encephalopathy, 42 (DEE42A). Also called: Epileptic encephalopathy, early infantile, 42; DEVELOPMENTAL AND EPILEPTIC ENCEPHALOPATHY 42A; EPILEPTIC ENCEPHALOPATHY, EARLY INFANTILE, 42A. Identifiers: MedGen C4310716, MONDO:0014917, OMIM 617106.

Submission:

Labcorp Genetics (formerly Invitae), Labcorp
Classification: Uncertain significance for Developmental and epileptic encephalopathy, 42; Episodic ataxia type 2. Last evaluated: 2025-04-01. Review status: criteria provided, single submitter. Criteria: Invitae Variant Classification Sherloc (09022015). Collection method: clinical testing. Allele origin: germline.
Comment: This sequence change replaces proline, which is neutral and non-polar, with arginine, which is basic and polar, at codon 1870 of the CACNA1A protein (p.Pro1870Arg). This variant is not present in population databases (gnomAD no frequency). This variant has not been reported in the literature in individuals affected with CACNA1A-related conditions. Invitae Evidence Modeling of protein sequence and biophysical properties (such as structural, functional, and spatial information, amino acid conservation, physicochemical variation, residue mobility, and thermodynamic stability) has been performed for this missense variant. However, the output from this modeling did not meet the statistical confidence thresholds required to predict the impact of this variant on CACNA1A protein function. In summary, the available evidence is currently insufficient to determine the role of this variant in disease. Therefore, it has been classified as a Variant of Uncertain Significance.

NM_001127221.2(CACNA1A):c.5609C>G (p.Pro1870Arg)

Gene: CACNA1A (calcium voltage-gated channel subunit alpha1 A; minus strand). Cytogenetic location: 19p13.13.
Variant type: single nucleotide variant.
Coding change: c.5609C>G on transcript NM_001127221.2 (MANE Plus Clinical); coding-DNA position 5609, C replaced by G.
Protein change: p.Pro1870Arg; replaces proline 1870 with arginine.
Molecular consequence: missense variant. On other transcripts: intron variant (4).
Genome position (GRCh38, 1-based): chr19:13,228,718, G>C on the plus strand (C>G on the coding strand, the complement: CACNA1A is on the minus strand). VCF-style: chr19-13228718-G-C. GRCh37 (hg19) VCF-style: chr19-13339532-G-C.
Other names: c.5529-1191C>G (NM_001127222.2); c.5538-1191C>G (NM_001174080.2); c.5547-1191C>G (NM_000068.4, NM_023035.3); short protein forms P1870R.
Identifiers: ClinVar variation 4789713 (VCV004789713.1).
Genomic context (GRCh38, chr19:13,228,718, plus strand): 5'-CTCATTCCATGGATGCTAGCAGGTTTTAGTGGAAGTCAAACCTTGCAAGCAACCCTATGA[G>C]GACATTTCTTGCCTAAGCCGAGAGGGGGAGATATTACTCGTAATAAACTGTACATATCCT-3'
Protein context (NP_001120693.1, residues 1860-1880): SPPLGLGKKC[Pro1870Arg]HRVACKRLLR